The following is an entry in ClinVar:

ClinVar aggregate classification (germline): Uncertain significance. Review status: criteria provided, multiple submitters, no conflicts (2 of 4 stars). 2 submissions from 2 submitters: Uncertain significance (2). Last evaluated 2025-06-10.

Conditions:
Inborn genetic diseases. Identifiers: MedGen C0950123, MeSH D030342.

Allele frequency attached by ClinVar (database versions not stated): gnomAD 0.00001; TOPMed below 0.00001.
gnomAD v4.1: 3 of 1,282,604 alleles (0.00023%); highest among the groups gnomAD compares: South Asian, 0.0024%; no homozygotes.

Submissions (2):

GeneDx
Classification: Uncertain significance. Last evaluated: 2025-06-10. Review status: criteria provided, single submitter. Criteria: GeneDx Variant Classification Process June 2021. Collection method: clinical testing. Allele origin: germline. Affected: yes.
Comment: Not observed at significant frequency in large population cohorts (gnomAD); In silico analysis suggests that this missense variant does not alter protein structure/function; Has not been previously published as pathogenic or benign to our knowledge

Ambry Genetics
Classification: Uncertain significance for Inborn genetic diseases. Last evaluated: 2023-07-05. Review status: criteria provided, single submitter. Criteria: Ambry Variant Classification Scheme 2023. Collection method: clinical testing. Allele origin: germline.

NM_005883.3(APC2):c.5882C>A (p.Ala1961Glu)

Gene: APC2 (APC regulator of Wnt signaling pathway 2; plus strand). Cytogenetic location: 19p13.3.
Variant type: single nucleotide variant.
Coding change: c.5882C>A on transcript NM_005883.3 (MANE Select); coding-DNA position 5882, C replaced by A.
Protein change: p.Ala1961Glu; replaces alanine 1961 with glutamic acid.
Molecular consequence: missense variant.
Genome position (GRCh38, 1-based): chr19:1,469,183, C>A. VCF-style: chr19-1469183-C-A. GRCh37 (hg19) VCF-style: chr19-1469182-C-A.
Other names: c.5879C>A, p.Ala1960Glu (NM_001351273.1); short protein forms A1961E, A1960E.
Identifiers: ClinVar variation 2609538 (VCV002609538.3), dbSNP rs2084085367, ClinGen allele CA403042101.